The following is an entry in ClinVar:

ClinVar aggregate classification (germline): Conflicting classifications of pathogenicity. Review status: criteria provided, conflicting classifications (1 of 4 stars). 7 submissions from 7 submitters: Uncertain significance (4); Likely benign (2). 1 of the submissions does not count toward it. Last evaluated 2026-01-30.

Conditions:
Xanthinuria type II. Also called: Xanthine dehydrogenase and aldehyde oxidase combined deficiency of; XDH and AOX dual deficiency. Identifiers: Orphanet 3467, Orphanet 93602, MedGen C1863688, MONDO:0011346, OMIM 603592.
Hereditary xanthinuria type 1 (XAN1). Identifiers: Orphanet 3467, Orphanet 93601, MedGen C0268118, MONDO:0010209, OMIM 278300.
XDH-related disorder. Also called: XDH-related condition.
Inborn genetic diseases. Identifiers: MedGen C0950123, MeSH D030342.

Allele frequency attached by ClinVar (database versions not stated): ESP Exome Variant Server 0.00046; gnomAD 0.00022; TOPMed 0.00027; ExAC 0.00028; gnomAD exomes 0.00031.
gnomAD v4.1: 646 of 1,614,010 alleles (0.04%); highest among the groups gnomAD compares: Non-Finnish European, 0.045%; 1 homozygote.

Submissions (7):

Labcorp Genetics (formerly Invitae), Labcorp
Classification: Likely benign for Xanthinuria type II. Last evaluated: 2026-01-30. Review status: criteria provided, single submitter. Criteria: Invitae Variant Classification Sherloc (09022015). Collection method: clinical testing. Allele origin: germline.

GeneDx
Classification: Uncertain significance. Last evaluated: 2025-05-30. Review status: criteria provided, single submitter. Criteria: GeneDx Variant Classification Process June 2021. Collection method: clinical testing. Allele origin: germline. Affected: yes.
Comment: In silico analysis supports that this missense variant has a deleterious effect on protein structure/function; Has not been previously published as pathogenic or benign to our knowledge

Fulgent Genetics
Classification: Likely benign for Hereditary xanthinuria type 1. Last evaluated: 2024-03-12. Review status: criteria provided, single submitter. Criteria: ACMG Guidelines, 2015. Collection method: clinical testing. Allele origin: germline.

Ambry Genetics
Classification: Uncertain significance for Inborn genetic diseases. Last evaluated: 2021-09-01. Review status: criteria provided, single submitter. Criteria: Ambry Variant Classification Scheme 2023. Collection method: clinical testing. Allele origin: germline.

Revvity Omics, Revvity
Classification: Uncertain significance for Hereditary xanthinuria type 1. Last evaluated: 2020-10-26. Review status: criteria provided, single submitter. Criteria: ACMG Guidelines, 2015. Collection method: clinical testing. Allele origin: germline.

Illumina Laboratory Services, Illumina
Classification: Uncertain significance for Hereditary xanthinuria type 1. Last evaluated: 2018-01-13. Review status: criteria provided, single submitter. Criteria: ICSL Variant Classification Criteria 13 December 2019. Collection method: clinical testing. Allele origin: germline.

PreventionGenetics, part of Exact Sciences
Classification: Likely benign for XDH-related condition. Last evaluated: 2022-04-04. Review status: no assertion criteria provided. Collection method: clinical testing. Allele origin: germline. Not counted in ClinVar's aggregate classification.
Comment: This variant is classified as likely benign based on ACMG/AMP sequence variant interpretation guidelines (Richards et al. 2015 PMID: 25741868, with internal and published modifications).

NM_000379.4(XDH):c.1037C>T (p.Ala346Val)

Gene: XDH (xanthine dehydrogenase; minus strand). Cytogenetic location: 2p23.1.
Variant type: single nucleotide variant.
Coding change: c.1037C>T on transcript NM_000379.4 (MANE Select); coding-DNA position 1037, C replaced by T.
Protein change: p.Ala346Val; replaces alanine 346 with valine.
Molecular consequence: missense variant.
Genome position (GRCh38, 1-based): chr2:31,383,002, G>A on the plus strand (C>T on the coding strand, the complement: XDH is on the minus strand). VCF-style: chr2-31383002-G-A. GRCh37 (hg19) VCF-style: chr2-31605868-G-A.
Other names: short protein forms A346V.
Identifiers: ClinVar variation 800266 (VCV000800266.21), dbSNP rs142388231, ClinGen allele CA1599394.